The following continues an entry in ClinVar:

NM_000016.6(ACADM):c.600-18G>A

Gene: ACADM. ClinVar aggregate classification (germline): Pathogenic/Likely pathogenic. Pathogenic (13); Likely pathogenic (8).

Submissions 12 to 21 of 21:

Women's Health and Genetics/Laboratory Corporation of America, LabCorp
Classification: Pathogenic for Medium-chain acyl-coenzyme A dehydrogenase deficiency. Last evaluated: 2023-12-14. Review status: criteria provided, single submitter. Criteria: LabCorp Variant Classification Summary - May 2015. Collection method: clinical testing. Allele origin: germline.
Comment: Variant summary: Variant summary: ACADM c.600-18G>A alters a non-conserved nucleotide located close to a canonical splice site and therefore could affect mRNA splicing, leading to a significantly altered protein sequence. Several computational tools predict a significant impact on normal splicing: four predict the variant abolishes or weakens a cryptic 5' donor site, while two predict the variant creates a novel, cryptic 3' acceptor site, by introducing a novel AG upstream of the authentic 3' splice site AG. At least one publication reports experimental evidence demonstrating that this variant creates a cryptic 3' acceptor site that competes with the original 3' splice site, thus resulting in a partial splicing defect (Grunert_2015). The variant allele was found at a frequency of 0.00025 in 251270 control chromosomes. This frequency is not significantly higher than estimated for a pathogenic variant in ACADM causing Medium Chain Acyl-CoA Dehydrogenase Deficiency (0.00025 vs 0.0054), allowing no conclusion about variant significance. The variant, c.600-18G>A has been reported in the literature in multiple compound heterozygous individuals (who also carried a second pathogenic variant), detected during newborn screening in mostly clinically asymptomatic individuals as a biochemical phenotype (e.g. Touw_2012, Grunert_2015, Jager_2019), or in some cases in individuals with a reportedly milder form of Medium Chain Acyl-CoA Dehydrogenase Deficiency (e.g. Smith_2010). Ten submitters have cited clinical-significance assessments for this variant to ClinVar after 2014. All submitters classified the variant as pathogenic/likely pathogenic. Based on the evidence outlined above, the variant might represent a hypomorphic allele with variable penetrance, therefore it was classified as pathogenic for a milder disease phenotype.

GeneDx
Classification: Pathogenic. Last evaluated: 2022-08-17. Review status: criteria provided, single submitter. Criteria: GeneDx Variant Classification Process June 2021. Collection method: clinical testing. Allele origin: germline. Affected: yes.
Comment: Published functional studies suggest this variant leads to partial mis-splicing of the ACADM pre-mRNA (Grunert et al., 2015); This variant is associated with the following publications: (PMID: 22630369, 20434380, 27308838, 27477829, 26223887, 31012112, 30626930, 34426522, 32778825)

Ambry Genetics
Classification: Pathogenic for Inborn genetic diseases. Last evaluated: 2022-06-10. Review status: criteria provided, single submitter. Criteria: Ambry Variant Classification Scheme 2023. Collection method: clinical testing. Allele origin: germline.
Comment: The c.600-18G>A intronic alteration consists of a G to A substitution 18 nucleotides before coding exon 8 in the ACADM gene. This variant has been identified in apparently unaffected homozygous individuals in our laboratory (Ambry internal data). This alteration has been reported in the compound heterozygote states in individuals with medium chain acyl CoA dehydrogenase deficiency (Gr&uuml;nert, 2015; Navarrete, 2019; Smith, 2010; Touw, 2012). This nucleotide position is poorly conserved in available vertebrate species. RNA studies have demonstrated that this alteration results in an incomplete splice defect (Gr&uuml;nert, 2015). RNA studies have demonstrated that this alteration results in an incomplete splice defect (Gr&uuml;nert, 2015). Based on the available evidence, this alteration is classified as pathogenic.

Laboratory for Molecular Medicine, Mass General Brigham Personalized Medicine
Classification: Likely pathogenic for Medium-chain acyl-coenzyme A dehydrogenase deficiency. Last evaluated: 2020-03-31. Review status: criteria provided, single submitter. Criteria: LMM Criteria. Collection method: clinical testing. Allele origin: germline. Inheritance: Autosomal recessive inheritance. Observed: 1 variant allele.
Comment: The c.612-18G>A (also known as c.600-18G>A, NM_000016.4) variant in ACADM has been reported in at least 8 individuals affected with mild medium-chain acyl-CoA dehydrogenase (MCAD) deficiency in the compound heterozygous state (variant in trans in at least 3 of these cases was the common c.985Aâ€‰>â€‰G (p.K329E); Smith 2010, Grunert 2015, Narravula 2017) . Additionally, the c.612-18G>A variant segregated with disease in 1 affected family member (Grunert 2015). This variant has also been reported in ClinVar (variation ID 226084). It has been identified in 0.2% (24/10364) of Ashkenazi Jewish chromosomes by gnomAD. In vivo and in vitro functional assays provide evidence that this variant lead to partial missplicing of the ACADM pre-mRNA and thereby affected protein function (Grunert 2015). In summary, this variant meets criteria to be classified as likely pathogenic for autosomal recessive medium-chain acyl-CoA dehydrogenase (MCAD) deficiency. ACMG/AMP Criteria applied: PM3_strong, PS3_Moderate.

Myriad Genetics, Inc.
Classification: Likely pathogenic for Medium-chain acyl-coenzyme A dehydrogenase deficiency. Last evaluated: 2019-12-20. Review status: criteria provided, single submitter. Criteria: Myriad Women's Health Autosomal Recessive and X-Linked Classification Criteria (2019). Collection method: clinical testing. Allele origin: unknown.
Comment: NM_000016.4(ACADM):c.600-18G>A is classified as likely pathogenic in the context of medium chain acyl-CoA dehydrogenase deficiency and is associated with a variable presentation, ranging from clinically asymptomatic to mild. Sources cited for classification include the following: PMID 31012112, 25255367, 20434380, 27477829, 26223887, 27308838 and 30626930. Classification of NM_000016.4(ACADM):c.600-18G>A is based on the following criteria: This variant has been observed more frequently in patients with clinical diagnoses than in healthy populations. Please note: this variant was assessed in the context of healthy population screening.

Revvity Omics, Revvity
Classification: Likely pathogenic for Medium-chain acyl-coenzyme A dehydrogenase deficiency. Last evaluated: 2019-10-18. Review status: criteria provided, single submitter. Criteria: ACMG Guidelines, 2015. Collection method: clinical testing. Allele origin: germline.

Quest Diagnostics Nichols Institute San Juan Capistrano
Classification: Likely pathogenic. Last evaluated: 2019-10-03. Review status: criteria provided, single submitter. Criteria: Quest Diagnostics criteria. Collection method: clinical testing. Allele origin: unknown.
Comment: The gain of a new splice site is predicted. Nucleotide conservation is uninformative. Occurs in multiple cases with a lone recessive pathogenic variant in the same gene. Assessment of experimental evidence suggests this variant results in abnormal protein function.

Center for Pediatric Genomic Medicine, Children's Mercy Hospital and Clinics
Classification: Pathogenic. Last evaluated: 2015-03-31. Review status: criteria provided, single submitter. Criteria: ACMG Guidelines, 2015. Collection method: clinical testing. Allele origin: germline.

ARUP Laboratories, Molecular Genetics and Genomics, ARUP Laboratories
Classification: Likely pathogenic for Medium-chain acyl-coenzyme A dehydrogenase deficiency. Last evaluated: 2015-02-20. Review status: criteria provided, single submitter. Criteria: ACMG Guidelines, 2015. Collection method: clinical testing. Allele origin: germline. Inheritance: Autosomal recessive inheritance. Observed: 10 heterozygotes.

Clinical Genetics Service, Universitary Hospital 12 de Octubre
Classification: Pathogenic for Medium-chain acyl-coenzyme A dehydrogenase deficiency. Review status: criteria provided, single submitter. Criteria: ACMG Guidelines, 2015. Collection method: clinical testing. Allele origin: germline. Affected: yes.

Literature cited by the submitters: PubMed 26223887 (cited by 10 submitters); PubMed 20434380 (cited by 8 submitters); PubMed 27308838 (cited by 6 submitters); PubMed 27477829 (cited by 5 submitters); PubMed 36840705 (cited by Natera, Inc.); PubMed 20301597 (cited by Variantyx, Inc.); PubMed 22630369 (cited by 4 submitters); PubMed 25255367 (cited by Mayo Clinic Laboratories, Mayo Clinic and Myriad Genetics, Inc.); PubMed 30626930 (cited by 3 submitters); PubMed 31012112 (cited by 4 submitters); PubMed 32778825 (cited by Mayo Clinic Laboratories, Mayo Clinic and Women's Health and Genetics/Laboratory Corporation of America, LabCorp).